The following is an entry in ClinVar:

NM_001105206.3(LAMA4):c.4904_4905delinsAA (p.Phe1635Ter)

Gene: LAMA4 (laminin subunit alpha 4; minus strand). Cytogenetic location: 6q21.
Variant type: Indel.
Coding change: c.4904_4905delinsAA on transcript NM_001105206.3 (MANE Select); coding-DNA positions 4904 to 4905, TC replaced by AA.
Protein change: p.Phe1635Ter; replaces phenylalanine 1635 with a stop codon.
Molecular consequence: nonsense.
Genome position (GRCh38, 1-based): chr6:112,117,815-112,117,816, GA replaced by TT on the plus strand (TC replaced by AA on the coding strand, the reverse complement: LAMA4 is on the minus strand). VCF-style: chr6-112117815-GA-TT. GRCh37 (hg19) VCF-style: chr6-112439018-GA-TT.
Other names: c.4883_4884delinsAA, p.Phe1628Ter (NM_001105207.3, NM_002290.5); short protein forms F1628*, F1635*.
Identifiers: ClinVar variation 839440 (VCV000839440.7), dbSNP rs1778111612, ClinGen allele CA916081482.

ClinVar aggregate classification (germline): Uncertain significance (1 of 4 stars; one submission).

Conditions:
Dilated cardiomyopathy 1JJ (CMD1JJ). Identifiers: Orphanet 154, MedGen C3808935, MONDO:0014095, OMIM 615235.

Submission:

Labcorp Genetics (formerly Invitae), Labcorp
Classification: Uncertain significance for Dilated cardiomyopathy 1JJ. Last evaluated: 2025-03-03. Review status: criteria provided, single submitter. Criteria: Invitae Variant Classification Sherloc (09022015). Collection method: clinical testing. Allele origin: germline.
Comment: This sequence change creates a premature translational stop signal (p.Phe1628*) in the LAMA4 gene. It is expected to result in an absent or disrupted protein product. However, the current clinical and genetic evidence is not sufficient to establish whether loss-of-function variants in LAMA4 cause disease. Information on the frequency of this variant in the gnomAD database is not available, as this variant may be reported differently in the database. This variant has not been reported in the literature in individuals affected with LAMA4-related conditions. ClinVar contains an entry for this variant (Variation ID: 839440). In summary, the available evidence is currently insufficient to determine the role of this variant in disease. Therefore, it has been classified as a Variant of Uncertain Significance.